The following is an entry in ClinVar:

ClinVar aggregate classification (germline): Conflicting classifications of pathogenicity. Review status: criteria provided, conflicting classifications (1 of 4 stars). 3 submissions from 3 submitters: Uncertain significance (2); Likely benign (1). Last evaluated 2026-06-03.

Conditions:
Hereditary cancer-predisposing syndrome. Also called: Tumor predisposition; Hereditary Cancer Syndrome; Hereditary neoplastic syndrome; Neoplastic Syndromes, Hereditary. Identifiers: Orphanet 140162, MedGen C0027672, MeSH D009386, MONDO:0015356.
Familial adenomatous polyposis 1 (FAP1). Also called: POLYPOSIS, ADENOMATOUS INTESTINAL; FAMILIAL ADENOMATOUS POLYPOSIS 1, ATTENUATED. Identifiers: MedGen C2713442, MONDO:0021056, OMIM 175100. Disease mechanism: loss of function.

Allele frequency attached by ClinVar (database versions not stated): TOPMed below 0.00001; gnomAD exomes below 0.00001.
gnomAD v4.1: 6 of 1,614,174 alleles (0.00037%); highest among the groups gnomAD compares: Non-Finnish European, 0.00042%; no homozygotes.

Submissions (3):

Ambry Genetics
Classification: Likely benign for Hereditary cancer-predisposing syndrome. Last evaluated: 2026-06-03. Review status: criteria provided, single submitter. Criteria: Ambry Variant Classification Scheme 2023. Collection method: clinical testing. Allele origin: germline.

Labcorp Genetics (formerly Invitae), Labcorp
Classification: Uncertain significance for Familial adenomatous polyposis 1. Last evaluated: 2024-11-03. Review status: criteria provided, single submitter. Criteria: Invitae Variant Classification Sherloc (09022015). Collection method: clinical testing. Allele origin: germline.
Comment: This sequence change replaces lysine, which is basic and polar, with arginine, which is basic and polar, at codon 1226 of the APC protein (p.Lys1226Arg). This variant is not present in population databases (gnomAD no frequency). This variant has not been reported in the literature in individuals affected with APC-related conditions. ClinVar contains an entry for this variant (Variation ID: 187529). Invitae Evidence Modeling of protein sequence and biophysical properties (such as structural, functional, and spatial information, amino acid conservation, physicochemical variation, residue mobility, and thermodynamic stability) indicates that this missense variant is not expected to disrupt APC protein function with a negative predictive value of 95%. In summary, the available evidence is currently insufficient to determine the role of this variant in disease. Therefore, it has been classified as a Variant of Uncertain Significance.

Color Diagnostics, LLC DBA Color Health
Classification: Uncertain significance for Hereditary cancer-predisposing syndrome. Last evaluated: 2023-06-28. Review status: criteria provided, single submitter. Criteria: ACMG Guidelines, 2015. Collection method: clinical testing. Allele origin: germline.
Comment: This missense variant replaces lysine with arginine at codon 1226 of the APC protein. Computational prediction suggests that this variant may not impact protein structure and function (internally defined REVEL score threshold <= 0.5, PMID: 27666373). To our knowledge, functional studies have not been reported for this variant. This variant has been reported in an individual affected with early-onset colorectal cancer (PMID: 28944238). This variant has not been identified in the general population by the Genome Aggregation Database (gnomAD). The available evidence is insufficient to determine the role of this variant in disease conclusively. Therefore, this variant is classified as a Variant of Uncertain Significance.

Literature cited by the submitters: PubMed 28944238 (cited by Ambry Genetics and Color Diagnostics, LLC DBA Color Health).

NM_000038.6(APC):c.3677A>G (p.Lys1226Arg)

Gene: APC (APC regulator of Wnt signaling pathway; plus strand). Cytogenetic location: 5q22.2.
Variant type: single nucleotide variant.
Coding change: c.3677A>G on transcript NM_000038.6 (MANE Select); coding-DNA position 3677, A replaced by G.
Protein change: p.Lys1226Arg; replaces lysine 1226 with arginine.
Molecular consequence: missense variant.
Genome position (GRCh38, 1-based): chr5:112,839,271, A>G. VCF-style: chr5-112839271-A-G. GRCh37 (hg19) VCF-style: chr5-112174968-A-G.
Other names: c.3677A>G, p.Lys1226Arg (NM_001127510.3, NM_001354895.2); c.3623A>G, p.Lys1208Arg (NM_001127511.3); c.3731A>G, p.Lys1244Arg (NM_001354896.2); c.3707A>G, p.Lys1236Arg (NM_001354897.2); c.3602A>G, p.Lys1201Arg (NM_001354898.2); c.3593A>G, p.Lys1198Arg (NM_001354899.2); c.3554A>G, p.Lys1185Arg (NM_001354900.2); c.3500A>G, p.Lys1167Arg (NM_001354901.2); and 5 more; short protein forms K1208R, K1226R, K1066R, K1100R, K1125R, K1198R, K1201R, K1244R.
Identifiers: ClinVar variation 187529 (VCV000187529.19), dbSNP rs786203802, ClinGen allele CA008630.